The following is an entry in ClinVar:

NM_001886.3(CRYBA4):c.307C>T (p.Arg103Cys)

Gene: CRYBA4 (crystallin beta A4; plus strand). Cytogenetic location: 22q12.1.
Variant type: single nucleotide variant.
Coding change: c.307C>T on transcript NM_001886.3 (MANE Select); coding-DNA position 307, C replaced by T.
Protein change: p.Arg103Cys; replaces arginine 103 with cysteine.
Molecular consequence: missense variant.
Genome position (GRCh38, 1-based): chr22:26,628,294, C>T. VCF-style: chr22-26628294-C-T. GRCh37 (hg19) VCF-style: chr22-27024258-C-T.
Other names: short protein forms R103C.
Identifiers: ClinVar variation 474085 (VCV000474085.20), dbSNP rs149353652, ClinGen allele CA10165787.

ClinVar aggregate classification (germline): Benign/Likely benign. Review status: criteria provided, multiple submitters, no conflicts (2 of 4 stars). 4 submissions from 4 submitters: Benign (1); Likely benign (2). 1 of the submissions does not count toward it. Last evaluated 2025-06-13.

Conditions:
CRYBA4-related disorder. Also called: CRYBA4-related condition.
Cataract 23 (CTRCT23). Also called: CATARACT 23, LAMELLAR; Cataract 23, multiple types. Identifiers: Orphanet 91492, MedGen C3808012, MONDO:0012489, OMIM 610425.

Allele frequency attached by ClinVar (database versions not stated): gnomAD 0.00265; TOPMed 0.00277; ESP Exome Variant Server 0.00331; 1000 Genomes Project 0.00419; 1000 Genomes Project 30x 0.00437.
gnomAD v4.1: 812 of 1,613,908 alleles (0.05%); highest among the groups gnomAD compares: African/African-American, 0.92%; 4 homozygotes.

Submissions (4):

Labcorp Genetics (formerly Invitae), Labcorp
Classification: Benign for Cataract 23. Last evaluated: 2025-06-13. Review status: criteria provided, single submitter. Criteria: Invitae Variant Classification Sherloc (09022015). Collection method: clinical testing. Allele origin: germline.

GeneDx
Classification: Likely benign. Last evaluated: 2019-05-14. Review status: criteria provided, single submitter. Criteria: GeneDx Variant Classification Process June 2021. Collection method: clinical testing. Allele origin: germline. Affected: yes.

Breakthrough Genomics
Classification: Likely benign. Review status: criteria provided, single submitter. Criteria: ACMG Guidelines, 2015. Collection method: not provided. Allele origin: germline. Inheritance: Unknown mechanism. Affected: yes.

PreventionGenetics, part of Exact Sciences
Classification: Benign for CRYBA4-related condition. Last evaluated: 2019-08-26. Review status: no assertion criteria provided. Collection method: clinical testing. Allele origin: germline. Not counted in ClinVar's aggregate classification.
Comment: This variant is classified as benign based on ACMG/AMP sequence variant interpretation guidelines (Richards et al. 2015 PMID: 25741868, with internal and published modifications).